The following is an entry in ClinVar:

ClinVar aggregate classification (germline): Pathogenic (1 of 4 stars; one submission).

Conditions:
Familial adenomatous polyposis 1 (FAP1). Also called: FAMILIAL ADENOMATOUS POLYPOSIS 1, ATTENUATED; POLYPOSIS, ADENOMATOUS INTESTINAL. Identifiers: MedGen C2713442, MONDO:0021056, OMIM 175100. Disease mechanism: loss of function.

Submission:

Myriad Genetics, Inc.
Classification: Pathogenic for Familial adenomatous polyposis 1. Last evaluated: 2023-05-16. Review status: criteria provided, single submitter. Criteria: Myriad Autosomal Dominant, Autosomal Recessive and X-Linked Classification Criteria (2023). Collection method: clinical testing. Allele origin: unknown.
Comment: This variant is considered pathogenic. This variant creates a frameshift predicted to result in premature protein truncation.

NM_000038.6(APC):c.6747del (p.Gly2250fs)

Gene: APC (APC regulator of Wnt signaling pathway; plus strand). Cytogenetic location: 5q22.2.
Variant type: Deletion.
Coding change: c.6747del on transcript NM_000038.6 (MANE Select); coding-DNA position 6747, one base deleted (A; older notation c.6747delA).
Protein change: p.Gly2250fs; shifts the reading frame from glycine 2250.
Molecular consequence: frameshift variant. On other transcripts: non-coding transcript variant (2).
Genome position (GRCh38, 1-based): chr5:112,842,341, A deleted; the last of 6 consecutive A bases (chr5:112,842,336-112,842,341); deleting any one gives the same sequence. VCF-style (leftmost placement, unchanged base first): chr5-112842335-TA-T. GRCh37 (hg19) VCF-style: chr5-112178032-TA-T.
Other names: c.6747del, p.Gly2250fs (NM_001127510.3, NM_001354895.2, NM_001407450.1); c.6693del, p.Gly2232fs (NM_001127511.3); c.6801del, p.Gly2268fs (NM_001354896.2, NM_001407447.1, NM_001407448.1 and 1 more transcripts); c.6777del, p.Gly2260fs (NM_001354897.2); c.6672del, p.Gly2225fs (NM_001354898.2); c.6663del, p.Gly2222fs (NM_001354899.2); c.6624del, p.Gly2209fs (NM_001354900.2); c.6570del, p.Gly2191fs (NM_001354901.2, NM_001407453.1); and 11 more; short protein forms G1866fs, G1967fs, G2090fs, G2121fs, G2124fs, G2149fs, G2159fs, G2167fs.
Identifiers: ClinVar variation 2583783 (VCV002583783.1), dbSNP rs773874693, ClinGen allele CA045968.